The following is an entry in ClinVar:

NM_019842.4(KCNQ5):c.616+1025A>T

Gene: KCNQ5 (potassium voltage-gated channel subfamily Q member 5; plus strand). Cytogenetic location: 6q13.
Variant type: single nucleotide variant.
Coding change: c.616+1025A>T on transcript NM_019842.4 (MANE Select); 1025 bases into the intron after coding-DNA position 616, A replaced by T.
Molecular consequence: intron variant.
Genome position (GRCh38, 1-based): chr6:73,043,087, A>T. VCF-style: chr6-73043087-A-T. GRCh37 (hg19) VCF-style: chr6-73752810-A-T.
Other names: c.616+1025A>T (NM_001160133.2, NM_001160134.2, NM_001160132.2 and 1 more transcripts).
Identifiers: ClinVar variation 2656697 (VCV002656697.24), dbSNP rs117594643, ClinGen allele CA3886802.

ClinVar aggregate classification (germline): Benign (1 of 4 stars; one submission).

Allele frequency attached by ClinVar (database versions not stated): 1000 Genomes Project 0.00220; 1000 Genomes Project 30x 0.00234; TOPMed 0.00404; ExAC 0.00473; gnomAD exomes 0.00478; gnomAD 0.00482.
gnomAD v4.1: 1,963 of 401,098 alleles (0.49%); highest among the groups gnomAD compares: Non-Finnish European, 0.62%; 9 homozygotes.

Submission:

CeGaT Center for Human Genetics Tuebingen
Classification: Benign. Last evaluated: 2023-07-01. Review status: criteria provided, single submitter. Criteria: CeGaT Center For Human Genetics Tuebingen Variant Classification Criteria Version 2. Collection method: clinical testing. Allele origin: germline. Affected: yes. Observed: 7 variant alleles.
Comment: KCNQ5: BS1, BS2